The following is an entry in ClinVar:

ClinVar aggregate classification (germline): Pathogenic. Review status: criteria provided, multiple submitters, no conflicts (2 of 4 stars). 4 submissions from 4 submitters: Pathogenic (2). 2 of the submissions do not count toward it. Last evaluated 2024-06-29.

Allele frequency attached by ClinVar (database versions not stated): gnomAD 0.00001; ESP Exome Variant Server 0.00008; TOPMed below 0.00001.
gnomAD v4.1: 22 of 1,613,332 alleles (0.0014%); highest among the groups gnomAD compares: Non-Finnish European, 0.0018%; no homozygotes.

Submissions (4):

Labcorp Genetics (formerly Invitae), Labcorp
Classification: Pathogenic. Last evaluated: 2024-06-29. Review status: criteria provided, single submitter. Criteria: Invitae Variant Classification Sherloc (09022015). Collection method: clinical testing. Allele origin: germline.
Comment: This sequence change creates a premature translational stop signal (p.Glu568*) in the COQ8A gene. While this is not anticipated to result in nonsense mediated decay, it is expected to disrupt the last 80 amino acid(s) of the COQ8A protein. This variant is present in population databases (rs376478331, gnomAD 0.0009%). This premature translational stop signal has been observed in individual(s) with coenzyme Q10 deficiency (PMID: 32337771). In at least one individual the data is consistent with being in trans (on the opposite chromosome) from a pathogenic variant. ClinVar contains an entry for this variant (Variation ID: 280452). This variant disrupts a region of the COQ8A protein in which other variant(s) (p.Ser608Phe) have been determined to be pathogenic (PMID: 30968303). This suggests that this is a clinically significant region of the protein, and that variants that disrupt it are likely to be disease-causing. For these reasons, this variant has been classified as Pathogenic.

GeneDx
Classification: Pathogenic. Last evaluated: 2016-03-22. Review status: criteria provided, single submitter. Criteria: GeneDx Variant Classification (06012015). Collection method: clinical testing. Allele origin: germline. Affected: yes.
Comment: The E568X pathogenic variant in the ADCK3 gene has not been reported previously as a pathogenic variant nor as a benign variant, to our knowledge. This variant is predicted to cause loss of normal protein function through protein truncation with loss of the last 80 amino acids. The E568X variant was not observed in the homozygous state or at any significant frequency in approximately 6500 individuals of European ancestry by the NHLBI Exome Sequencing Project. We interpret E568X as a pathogenic variant.

Clinical Genetics DNA and cytogenetics Diagnostics Lab, Erasmus MC, Erasmus Medical Center
Classification: Pathogenic. Review status: no assertion criteria provided. Collection method: clinical testing. Allele origin: germline. Affected: yes. Study: VKGL Data-share Consensus. Not counted in ClinVar's aggregate classification.

Joint Genome Diagnostic Labs from Nijmegen and Maastricht, Radboudumc and MUMC+
Classification: Pathogenic. Review status: no assertion criteria provided. Collection method: clinical testing. Allele origin: germline. Affected: yes. Study: VKGL Data-share Consensus. Not counted in ClinVar's aggregate classification.

Literature cited by the submitters: PubMed 32337771 (cited by Labcorp Genetics (formerly Invitae), Labcorp); PubMed 30968303 (cited by Labcorp Genetics (formerly Invitae), Labcorp).

NM_020247.5(COQ8A):c.1702G>T (p.Glu568Ter)

Gene: COQ8A (coenzyme Q8A; plus strand). Cytogenetic location: 1q42.13.
Variant type: single nucleotide variant.
Coding change: c.1702G>T on transcript NM_020247.5 (MANE Select); coding-DNA position 1702, G replaced by T.
Protein change: p.Glu568Ter; replaces glutamic acid 568 with a stop codon.
Molecular consequence: nonsense.
Genome position (GRCh38, 1-based): chr1:226,986,495, G>T. VCF-style: chr1-226986495-G-T. GRCh37 (hg19) VCF-style: chr1-227174196-G-T.
Other names: short protein forms E568*.
Identifiers: ClinVar variation 280452 (VCV000280452.6), dbSNP rs376478331, ClinGen allele CA1425638.